The following is an entry in ClinVar:

NM_080911.3(UNG):c.76C>T (p.Pro26Ser)

Gene: UNG (uracil DNA glycosylase; plus strand). Cytogenetic location: 12q24.11.
Variant type: single nucleotide variant.
Coding change: c.76C>T on transcript NM_080911.3 (MANE Select); coding-DNA position 76, C replaced by T.
Protein change: p.Pro26Ser; replaces proline 26 with serine.
Molecular consequence: missense variant.
Genome position (GRCh38, 1-based): chr12:109,097,755, C>T. VCF-style: chr12-109097755-C-T. GRCh37 (hg19) VCF-style: chr12-109535560-C-T.
Other names: short protein forms P26S.
Identifiers: ClinVar variation 1425612 (VCV001425612.7), dbSNP rs1321029062, ClinGen allele CA386468752.

ClinVar aggregate classification (germline): Uncertain significance (1 of 4 stars; one submission).

Conditions:
Hyper-IgM syndrome type 5 (HIGM5). Also called: Hyper-IgM Immunodeficiency Syndrome, Type 5. Identifiers: Orphanet 101092, MedGen C1720958, MONDO:0011971, OMIM 608106.

Allele frequency attached by ClinVar (database versions not stated): gnomAD exomes below 0.00001.
gnomAD v4.1: 2 of 1,573,152 alleles (0.00013%); highest among the groups gnomAD compares: Non-Finnish European, 0.00017%; no homozygotes.

Submission:

Labcorp Genetics (formerly Invitae), Labcorp
Classification: Uncertain significance for Hyper-IgM syndrome type 5. Last evaluated: 2021-02-24. Review status: criteria provided, single submitter. Criteria: Invitae Variant Classification Sherloc (09022015). Collection method: clinical testing. Allele origin: germline.
Comment: This variant is not present in population databases (ExAC no frequency). This variant has not been reported in the literature in individuals with UNG-related conditions. Algorithms developed to predict the effect of missense changes on protein structure and function output the following: SIFT: "Tolerated"; PolyPhen-2: "Benign"; Align-GVGD: "Class C0". The serine amino acid residue is found in multiple mammalian species, suggesting that this missense change does not adversely affect protein function. These predictions have not been confirmed by published functional studies and their clinical significance is uncertain. In summary, the available evidence is currently insufficient to determine the role of this variant in disease. Therefore, it has been classified as a Variant of Uncertain Significance. This sequence change replaces proline with serine at codon 26 of the UNG protein (p.Pro26Ser). The proline residue is weakly conserved and there is a moderate physicochemical difference between proline and serine.